The following is an entry in ClinVar:

ClinVar aggregate classification (germline): Conflicting classifications of pathogenicity. Review status: criteria provided, conflicting classifications (1 of 4 stars). 2 submissions from 2 submitters: Uncertain significance (1); Benign (1). Last evaluated 2026-01-13.

Conditions:
Primary ciliary dyskinesia. Also called: Ciliary dyskinesia. Identifiers: Orphanet 244, MedGen C0008780, MONDO:0016575, HP:0012265.

Allele frequency attached by ClinVar (database versions not stated): gnomAD exomes below 0.00001; TOPMed below 0.00001; gnomAD 0.00001; ExAC 0.00002.
gnomAD v4.1: 6 of 1,578,862 alleles (0.00038%); highest among the groups gnomAD compares: Admixed American, 0.007%; no homozygotes.

Submissions (2):

Labcorp Genetics (formerly Invitae), Labcorp
Classification: Benign for Primary ciliary dyskinesia. Last evaluated: 2026-01-13. Review status: criteria provided, single submitter. Criteria: Invitae Variant Classification Sherloc (09022015). Collection method: clinical testing. Allele origin: germline.

Ambry Genetics
Classification: Uncertain significance for Primary ciliary dyskinesia. Last evaluated: 2023-05-21. Review status: criteria provided, single submitter. Criteria: Ambry Variant Classification Scheme 2023. Collection method: clinical testing. Allele origin: germline.
Comment: The p.A897T variant (also known as c.2689G>A), located in coding exon 15 of the DNAH11 gene, results from a G to A substitution at nucleotide position 2689. The alanine at codon 897 is replaced by threonine, an amino acid with similar properties. This amino acid position is conserved. In addition, this alteration is predicted to be tolerated by in silico analysis. Since supporting evidence is limited at this time, the clinical significance of this alteration remains unclear.

NM_001277115.2(DNAH11):c.2689G>A (p.Ala897Thr)

Gene: DNAH11 (dynein axonemal heavy chain 11; plus strand). Cytogenetic location: 7p15.3.
Variant type: single nucleotide variant.
Coding change: c.2689G>A on transcript NM_001277115.2 (MANE Select); coding-DNA position 2689, G replaced by A.
Protein change: p.Ala897Thr; replaces alanine 897 with threonine.
Molecular consequence: missense variant.
Genome position (GRCh38, 1-based): chr7:21,599,808, G>A. VCF-style: chr7-21599808-G-A. GRCh37 (hg19) VCF-style: chr7-21639426-G-A.
Other names: short protein forms A897T.
Identifiers: ClinVar variation 571402 (VCV000571402.11), dbSNP rs767822847, ClinGen allele CA4179407.